The following is an entry in ClinVar:

ClinVar aggregate classification (germline): Uncertain significance (1 of 4 stars; one submission).

gnomAD v4.1: 1 of 1,613,530 alleles (0.000062%); highest among the groups gnomAD compares: Admixed American, 0.0017%; no homozygotes.

Submission:

Ambry Genetics
Classification: Uncertain significance. Last evaluated: 2024-10-08. Review status: criteria provided, single submitter. Criteria: Ambry Variant Classification Scheme 2023. Collection method: clinical testing. Allele origin: germline.
Comment: The p.Y667C variant (also known as c.2000A>G), located in coding exon 13 of the POLQ gene, results from an A to G substitution at nucleotide position 2000. The tyrosine at codon 667 is replaced by cysteine, an amino acid with highly dissimilar properties. This amino acid position is conserved. In addition, the in silico prediction for this alteration is inconclusive. Based on the available evidence, the clinical significance of this variant remains unclear.

NM_199420.4(POLQ):c.2000A>G (p.Tyr667Cys)

Gene: POLQ (DNA polymerase theta; minus strand). Cytogenetic location: 3q13.33.
Variant type: single nucleotide variant.
Coding change: c.2000A>G on transcript NM_199420.4 (MANE Select); coding-DNA position 2000, A replaced by G.
Protein change: p.Tyr667Cys; replaces tyrosine 667 with cysteine.
Molecular consequence: missense variant.
Genome position (GRCh38, 1-based): chr3:121,498,630, T>C on the plus strand (A>G on the coding strand, the complement: POLQ is on the minus strand). VCF-style: chr3-121498630-T-C. GRCh37 (hg19) VCF-style: chr3-121217477-T-C.
Other names: short protein forms Y667C.
Identifiers: ClinVar variation 3422395 (VCV003422395.1).
Genomic context (GRCh38, chr3:121,498,630, plus strand): 5'-ACTAGCTCTGCCACCCTTTTCATTGAAGTTGGCAACTTCTCCCATAAACAGAAAAATCGA[T>C]ACCAATCAATAGTAGTCCAATCCTCAAACATAGGTGTAACCTAAAAGGAAGAAGTATTAT-3'
Protein context (NP_955452.3, residues 657-677): MFEDWTTIDW[Tyr667Cys]RFFCLWEKLP